The following is an entry in ClinVar:

NM_001023.4(RPS20):c.104T>C (p.Val35Ala)

Gene: RPS20 (ribosomal protein S20; minus strand). Cytogenetic location: 8q12.1.
Variant type: single nucleotide variant.
Coding change: c.104T>C on transcript NM_001023.4 (MANE Select); coding-DNA position 104, T replaced by C.
Protein change: p.Val35Ala; replaces valine 35 with alanine.
Molecular consequence: missense variant.
Genome position (GRCh38, 1-based): chr8:56,073,768, A>G on the plus strand (T>C on the coding strand, the complement: RPS20 is on the minus strand). VCF-style: chr8-56073768-A-G. GRCh37 (hg19) VCF-style: chr8-56986327-A-G.
Other names: c.104T>C (NM_001023.3); c.104T>C, p.Val35Ala (NM_001146227.3); short protein forms V35A.
Identifiers: ClinVar variation 3725749 (VCV003725749.3).

ClinVar aggregate classification (germline): Uncertain significance. Review status: criteria provided, multiple submitters, no conflicts (2 of 4 stars). 2 submissions from 2 submitters: Uncertain significance (2). Last evaluated 2025-03-25.

Submissions (2):

Ambry Genetics
Classification: Uncertain significance. Last evaluated: 2025-03-25. Review status: criteria provided, single submitter. Criteria: Ambry Variant Classification Scheme 2023. Collection method: clinical testing. Allele origin: germline.
Comment: The p.V35A variant (also known as c.104T>C) is located in coding exon 3 of the RPS20 gene. The valine at codon 35 is replaced by alanine, an amino acid with similar properties. This change occurs in the first base pair of coding exon 3. This amino acid position is conserved. In addition, this alteration is predicted to be deleterious by in silico analysis. Based on the available evidence, the clinical significance of this variant remains unclear.

Labcorp Genetics (formerly Invitae), Labcorp
Classification: Uncertain significance. Last evaluated: 2024-11-24. Review status: criteria provided, single submitter. Criteria: Invitae Variant Classification Sherloc (09022015). Collection method: clinical testing. Allele origin: germline.
Comment: This sequence change replaces valine, which is neutral and non-polar, with alanine, which is neutral and non-polar, at codon 35 of the RPS20 protein (p.Val35Ala). This variant is not present in population databases (gnomAD no frequency). This variant has not been reported in the literature in individuals affected with RPS20-related conditions. An algorithm developed to predict the effect of missense changes on protein structure and function (PolyPhen-2) suggests that this variant is likely to be tolerated. In summary, the available evidence is currently insufficient to determine the role of this variant in disease. Therefore, it has been classified as a Variant of Uncertain Significance.